The following is an entry in ClinVar:

NM_001267550.2(TTN):c.45247C>T (p.Arg15083Trp)

Genes: TTN (titin; minus strand), LOC126806427 (BRD4-independent group 4 enhancer GRCh37_chr2:179485777-179486976; plus strand). Cytogenetic location: 2q31.2.
Variant type: single nucleotide variant.
Coding change: c.45247C>T on transcript NM_001267550.2 (MANE Select); coding-DNA position 45247, C replaced by T.
Protein change: p.Arg15083Trp; replaces arginine 15083 with tryptophan.
Molecular consequence: missense variant.
Genome position (GRCh38, 1-based): chr2:178,621,577, G>A on the plus strand (C>T on the coding strand, the complement: TTN is on the minus strand). VCF-style: chr2-178621577-G-A. GRCh37 (hg19) VCF-style: chr2-179486304-G-A.
Other names: c.40324C>T, p.Arg13442Trp (NM_001256850.1); c.37543C>T, p.Arg12515Trp (NM_133378.4); c.18052C>T, p.Arg6018Trp (NM_003319.4); c.18427C>T, p.Arg6143Trp (NM_133432.3); c.18628C>T, p.Arg6210Trp (NM_133437.4); short protein forms R12515W, R15083W, R13442W, R6210W, R6018W, R6143W.
Identifiers: ClinVar variation 191959 (VCV000191959.18), dbSNP rs199834143, ClinGen allele CA237966.

ClinVar aggregate classification (germline): Conflicting classifications of pathogenicity. Review status: criteria provided, conflicting classifications (1 of 4 stars). 8 submissions from 8 submitters: Uncertain significance (6); Likely benign (2). Last evaluated 2026-07-17.

Conditions:
TTN-related disorder. Also called: TTN-related condition; TTN-related disease; TTN-related disorders.
Cardiovascular phenotype. Identifiers: MedGen CN230736.
Cardiomyopathy (CMYO). Also called: Cardiomyopathies. Identifiers: Orphanet 167848, MedGen C0878544, MONDO:0004994, HP:0001638. Inheritance: Various modes of inheritance.

Allele frequency attached by ClinVar (database versions not stated): ExAC 0.00005; gnomAD exomes 0.00008 and 0.00010; gnomAD 0.00009 and 0.00011; TOPMed 0.00011.
gnomAD v4.1: 164 of 1,612,288 alleles (0.01%); highest among the groups gnomAD compares: Admixed American, 0.012%; no homozygotes.

Submissions (8):

PreventionGenetics, part of Exact Sciences
Classification: Uncertain significance for TTN-related condition. Last evaluated: 2026-07-17. Review status: criteria provided, single submitter. Criteria: ACMG Guidelines, 2015. Collection method: clinical testing. Allele origin: germline.
Comment: The TTN c.45247C>T variant is predicted to result in the amino acid substitution p.Arg15083Trp. This variant has been reported in an individual with dilated cardiomyopathy (Table S3, Mazzarotto et al. 2020. PubMed ID: 31983221). This variant is reported in 0.011% of alleles in individuals of Latino descent in gnomAD. Although we suspect that this variant may be benign, at this time, the clinical significance of this variant is uncertain due to the absence of conclusive functional and genetic evidence.

Revvity Omics, Revvity
Classification: Uncertain significance. Last evaluated: 2024-12-24. Review status: criteria provided, single submitter. Criteria: ACMG Guidelines, 2015. Collection method: clinical testing. Allele origin: germline.

Blueprint Genetics
Classification: Likely benign. Last evaluated: 2024-10-21. Review status: criteria provided, single submitter. Criteria: ACMG Guidelines, 2015. Collection method: clinical testing. Allele origin: germline.

Ambry Genetics
Classification: Uncertain significance for Cardiovascular phenotype. Last evaluated: 2020-09-22. Review status: criteria provided, single submitter. Criteria: Ambry Variant Classification Scheme 2023. Collection method: clinical testing. Allele origin: germline.
Comment: The p.R6018W variant (also known as c.18052C>T), located in coding exon 72 of the TTN gene, results from a C to T substitution at nucleotide position 18052. The arginine at codon 6018 is replaced by tryptophan, an amino acid with dissimilar properties. This amino acid position is well conserved in available vertebrate species. In addition, this alteration is predicted to be tolerated by in silico analysis. Since supporting evidence is limited at this time, the clinical significance of this alteration remains unclear.

GeneDx
Classification: Likely benign. Last evaluated: 2019-02-26. Review status: criteria provided, single submitter. Criteria: GeneDx Variant Classification Process June 2021. Collection method: clinical testing. Allele origin: germline. Affected: yes.
Comment: This variant is associated with the following publications: (PMID: 31983221)

CHEO Genetics Diagnostic Laboratory, Children's Hospital of Eastern Ontario
Classification: Uncertain significance for Cardiomyopathy. Last evaluated: 2017-09-27. Review status: criteria provided, single submitter. Criteria: ACMG Guidelines, 2015. Collection method: clinical testing. Allele origin: germline. Study: Canadian Open Genetics Repository.

Laboratory for Molecular Medicine, Mass General Brigham Personalized Medicine
Classification: Uncertain significance. Last evaluated: 2016-07-18. Review status: criteria provided, single submitter. Criteria: LMM Criteria. Collection method: clinical testing. Allele origin: germline. Observed: 1 variant allele.
Comment: The p.Arg12515Trp variant in TTN has not been previously reported in individuals with cardiomyopathy, but has been identified in 2/9790 African and 2/66508 Euro pean chromosomes by the Exome Aggregation Consortium (ExAC; dbSNP rs199834143). Computational prediction tools and conservation analysis do not provide strong support for or against an impact to the protein. In summary, the clinical significance of the p.Arg12515Trp variant is uncertain.

Biesecker Lab/Clinical Genomics Section, National Institutes of Health
Classification: Uncertain significance. Last evaluated: 2013-06-24. Review status: criteria provided, single submitter. Criteria: Ng et al. (Circ Cardiovasc Genet. 2013). Collection method: research. Allele origin: unknown. Observed: 1 variant allele. Study: ClinSeq.
Comment: The study set was not selected for affection status in relation to any cancer. Pathogenicity categories were based on literature curation. See Pubmed ID:23861362 for details.

Medical sequencing